The following is an entry in ClinVar:

NM_182961.4(SYNE1):c.13187C>T (p.Ala4396Val)

Gene: SYNE1 (spectrin repeat containing nuclear envelope protein 1; minus strand). Cytogenetic location: 6q25.2.
Variant type: single nucleotide variant.
Coding change: c.13187C>T on transcript NM_182961.4 (MANE Select); coding-DNA position 13187, C replaced by T.
Protein change: p.Ala4396Val; replaces alanine 4396 with valine.
Molecular consequence: missense variant.
Genome position (GRCh38, 1-based): chr6:152,331,498, G>A on the plus strand (C>T on the coding strand, the complement: SYNE1 is on the minus strand). VCF-style: chr6-152331498-G-A. GRCh37 (hg19) VCF-style: chr6-152652633-G-A.
Other names: c.12974C>T, p.Ala4325Val (NM_033071.5); short protein forms A4325V, A4396V.
Identifiers: ClinVar variation 2189517 (VCV002189517.4), dbSNP rs2096247132, ClinGen allele CA366102311.

ClinVar aggregate classification (germline): Uncertain significance (1 of 4 stars; one submission).

Conditions:
Emery-Dreifuss muscular dystrophy 4, autosomal dominant (EDMD4). Also called: EMERY-DREIFUSS MUSCULAR DYSTROPHY 4 WITH VARIABLE FEATURES. Identifiers: Orphanet 261, MedGen C2751807, MONDO:0013071, OMIM 612998.
Autosomal recessive ataxia, Beauce type. Also called: Spinocerebellar ataxia, autosomal recessive 8; ATAXIA, RECESSIVE, OF BEAUCE; SYNE1-Related Autosomal Recessive Cerebellar Ataxia; SYNE1 Deficiency. Identifiers: Orphanet 88644, MedGen C1853116, MONDO:0012549, OMIM 610743.

Allele frequency attached by ClinVar (database versions not stated): gnomAD exomes below 0.00001; TOPMed below 0.00001.
gnomAD v4.1: 1 of 1,614,032 alleles (0.000062%); highest among the groups gnomAD compares: Non-Finnish European, 0.000085%; no homozygotes.

Submission:

Labcorp Genetics (formerly Invitae), Labcorp
Classification: Uncertain significance for Emery-Dreifuss muscular dystrophy 4, autosomal dominant; Autosomal recessive ataxia, Beauce type. Last evaluated: 2024-11-19. Review status: criteria provided, single submitter. Criteria: Invitae Variant Classification Sherloc (09022015). Collection method: clinical testing. Allele origin: germline.
Comment: This sequence change replaces alanine, which is neutral and non-polar, with valine, which is neutral and non-polar, at codon 4325 of the SYNE1 protein (p.Ala4325Val). This variant is not present in population databases (gnomAD no frequency). This variant has not been reported in the literature in individuals affected with SYNE1-related conditions. ClinVar contains an entry for this variant (Variation ID: 2189517). An algorithm developed to predict the effect of missense changes on protein structure and function (PolyPhen-2) suggests that this variant is likely to be tolerated. In summary, the available evidence is currently insufficient to determine the role of this variant in disease. Therefore, it has been classified as a Variant of Uncertain Significance.